The following is an entry in ClinVar:

NM_001384474.1(LOXHD1):c.6763T>C (p.Trp2255Arg)

Gene: LOXHD1 (lipoxygenase homology PLAT domains 1; minus strand). Cytogenetic location: 18q21.1.
Variant type: single nucleotide variant.
Coding change: c.6763T>C on transcript NM_001384474.1 (MANE Select); coding-DNA position 6763, T replaced by C.
Protein change: p.Trp2255Arg; replaces tryptophan 2255 with arginine.
Molecular consequence: missense variant. On other transcripts: intron variant (3).
Genome position (GRCh38, 1-based): chr18:46,477,531, A>G on the plus strand (T>C on the coding strand, the complement: LOXHD1 is on the minus strand). VCF-style: chr18-46477531-A-G. GRCh37 (hg19) VCF-style: chr18-44057494-A-G.
Other names: c.1480T>C, p.Trp494Arg (NM_001145473.3); c.6577T>C, p.Trp2193Arg (NM_144612.7); c.3307+123T>C (NM_001145472.3); c.3033+109T>C (NM_001308013.2); c.1371+109T>C (NM_001173129.2); short protein forms W2193R, W2255R, W494R.
Identifiers: ClinVar variation 3025541 (VCV003025541.22), dbSNP rs756765007, ClinGen allele CA402362227.

ClinVar aggregate classification (germline): Uncertain significance (1 of 4 stars; one submission).

Allele frequency attached by ClinVar (database versions not stated): gnomAD exomes below 0.00001.
gnomAD v4.1: 1 of 1,550,682 alleles (0.000064%); highest among the groups gnomAD compares: Non-Finnish European, 0.000087%; no homozygotes.

Submission:

CeGaT Center for Human Genetics Tuebingen
Classification: Uncertain significance. Last evaluated: 2024-02-01. Review status: criteria provided, single submitter. Criteria: CeGaT Center For Human Genetics Tuebingen Variant Classification Criteria Version 2. Collection method: clinical testing. Allele origin: germline. Affected: yes. Observed: 1 variant allele.
Comment: LOXHD1: PM2, PP3